The following is an entry in ClinVar:

NM_000337.6(SGCD):c.4-1G>C

Gene: SGCD (sarcoglycan delta; plus strand). Cytogenetic location: 5q33.3.
Variant type: single nucleotide variant.
Coding change: c.4-1G>C on transcript NM_000337.6 (MANE Select); the canonical splice acceptor site of the intron before coding-DNA position 4, G replaced by C.
Molecular consequence: splice acceptor variant.
Genome position (GRCh38, 1-based): chr5:156,344,488, G>C. VCF-style: chr5-156344488-G-C. GRCh37 (hg19) VCF-style: chr5-155771498-G-C.
Other names: c.1-1G>C (NM_001128209.2); c.4-1G>C (NM_172244.3).
Identifiers: ClinVar variation 1971610 (VCV001971610.5), dbSNP rs1554094927, ClinGen allele CA362007488.

ClinVar aggregate classification (germline): Likely pathogenic (1 of 4 stars; one submission).

Conditions:
Autosomal recessive limb-girdle muscular dystrophy type 2F (LGMDR6). Also called: MUSCULAR DYSTROPHY, LIMB-GIRDLE, AUTOSOMAL RECESSIVE 6; Muscular dystrophy limb-girdle with delta-sarcoglyan deficiency. Identifiers: Orphanet 219, MedGen C1832525, MONDO:0011028, OMIM 601287. Disease mechanism: Affects gamma-sarcoglycan and also disrupts the integrity of the entire sarcoglycan complex..

Submission:

Labcorp Genetics (formerly Invitae), Labcorp
Classification: Likely pathogenic for Autosomal recessive limb-girdle muscular dystrophy type 2F. Last evaluated: 2022-01-24. Review status: criteria provided, single submitter. Criteria: Invitae Variant Classification Sherloc (09022015). Collection method: clinical testing. Allele origin: germline.
Comment: In summary, the currently available evidence indicates that the variant is pathogenic, but additional data are needed to prove that conclusively. Therefore, this variant has been classified as Likely Pathogenic. Algorithms developed to predict the effect of sequence changes on RNA splicing suggest that this variant may disrupt the consensus splice site. This variant has not been reported in the literature in individuals affected with SGCD-related conditions. This variant is not present in population databases (gnomAD no frequency). This sequence change affects an acceptor splice site in intron 2 of the SGCD gene. It is expected to disrupt RNA splicing. Variants that disrupt the donor or acceptor splice site typically lead to a loss of protein function (PMID: 16199547), and loss-of-function variants in SGCD are known to be pathogenic (PMID: 8841194, 10735275, 10838250).

Literature cited by the submitters: PubMed 16199547; PubMed 8841194; PubMed 10735275; PubMed 10838250.